The following is an entry in ClinVar:

NM_000064.4(C3):c.3546C>T (p.Asn1182=)

Gene: C3 (complement C3; minus strand). Cytogenetic location: 19p13.3.
Variant type: single nucleotide variant.
Coding change: c.3546C>T on transcript NM_000064.4 (MANE Select); coding-DNA position 3546, C replaced by T.
Protein change: p.Asn1182=; no amino-acid change (asparagine 1182 retained).
Molecular consequence: synonymous variant.
Genome position (GRCh38, 1-based): chr19:6,686,846, G>A on the plus strand (C>T on the coding strand, the complement: C3 is on the minus strand). VCF-style: chr19-6686846-G-A. GRCh37 (hg19) VCF-style: chr19-6686857-G-A.
Identifiers: ClinVar variation 748156 (VCV000748156.9), dbSNP rs189353964, ClinGen allele CA9128693.

ClinVar aggregate classification (germline): Likely benign. Review status: criteria provided, multiple submitters, no conflicts (2 of 4 stars). 3 submissions from 3 submitters: Likely benign (2). 1 of the submissions does not count toward it. Last evaluated 2026-01-02.

Conditions:
C3-related disorder. Also called: C3-related condition.
Age related macular degeneration 9. Identifiers: MedGen C1969651, MONDO:0012659, OMIM 611378.
Atypical hemolytic-uremic syndrome with C3 anomaly. Also called: AHUS, SUSCEPTIBILITY TO, 5. Identifiers: Orphanet 2134, MedGen C2752037, MONDO:0013043, OMIM 612925.
Complement component 3 deficiency. Identifiers: Orphanet 280133, MedGen C3151071, MONDO:0013417, OMIM 613779.

Allele frequency attached by ClinVar (database versions not stated): gnomAD 0.00001; ExAC 0.00002; gnomAD exomes 0.00003 and 0.00006; TOPMed 0.00005; 1000 Genomes Project 30x 0.00016; 1000 Genomes Project 0.00020.
gnomAD v4.1: 17 of 1,613,968 alleles (0.0011%); highest among the groups gnomAD compares: Admixed American, 0.028%; no homozygotes.

Submissions (3):

Labcorp Genetics (formerly Invitae), Labcorp
Classification: Likely benign. Last evaluated: 2026-01-02. Review status: criteria provided, single submitter. Criteria: Invitae Variant Classification Sherloc (09022015). Collection method: clinical testing. Allele origin: germline.

Fulgent Genetics
Classification: Likely benign for Age related macular degeneration 9; Atypical hemolytic-uremic syndrome with C3 anomaly; Complement component 3 deficiency. Last evaluated: 2021-11-29. Review status: criteria provided, single submitter. Criteria: ACMG Guidelines, 2015. Collection method: clinical testing. Allele origin: unknown.

PreventionGenetics, part of Exact Sciences
Classification: Likely benign for C3-related condition. Last evaluated: 2019-07-20. Review status: no assertion criteria provided. Collection method: clinical testing. Allele origin: germline. Not counted in ClinVar's aggregate classification.
Comment: This variant is classified as likely benign based on ACMG/AMP sequence variant interpretation guidelines (Richards et al. 2015 PMID: 25741868, with internal and published modifications).